The following is an entry in ClinVar:

ClinVar aggregate classification (germline): Uncertain significance (1 of 4 stars; one submission).

Conditions:
Familial adenomatous polyposis 1 (FAP1). Also called: FAMILIAL ADENOMATOUS POLYPOSIS 1, ATTENUATED; POLYPOSIS, ADENOMATOUS INTESTINAL. Identifiers: MedGen C2713442, MONDO:0021056, OMIM 175100. Disease mechanism: loss of function.

Submission:

Labcorp Genetics (formerly Invitae), Labcorp
Classification: Uncertain significance for Familial adenomatous polyposis 1. Last evaluated: 2022-06-19. Review status: criteria provided, single submitter. Criteria: Invitae Variant Classification Sherloc (09022015). Collection method: clinical testing. Allele origin: germline.
Comment: This variant has not been reported in the literature in individuals affected with APC-related conditions. In summary, the available evidence is currently insufficient to determine the role of this variant in disease. Therefore, it has been classified as a Variant of Uncertain Significance. Algorithms developed to predict the effect of missense changes on protein structure and function are either unavailable or do not agree on the potential impact of this missense change (SIFT: "Tolerated"; PolyPhen-2: "Probably Damaging"; Align-GVGD: "Class C0"). This variant is not present in population databases (gnomAD no frequency). This sequence change replaces alanine, which is neutral and non-polar, with proline, which is neutral and non-polar, at codon 1366 of the APC protein (p.Ala1366Pro).

NM_000038.6(APC):c.4096G>C (p.Ala1366Pro)

Gene: APC (APC regulator of Wnt signaling pathway; plus strand). Cytogenetic location: 5q22.2.
Variant type: single nucleotide variant.
Coding change: c.4096G>C on transcript NM_000038.6 (MANE Select); coding-DNA position 4096, G replaced by C.
Protein change: p.Ala1366Pro; replaces alanine 1366 with proline.
Molecular consequence: missense variant.
Genome position (GRCh38, 1-based): chr5:112,839,690, G>C. VCF-style: chr5-112839690-G-C. GRCh37 (hg19) VCF-style: chr5-112175387-G-C.
Other names: c.4096G>C, p.Ala1366Pro (NM_001127510.3, NM_001354895.2, NM_001407450.1); c.4042G>C, p.Ala1348Pro (NM_001127511.3); c.4150G>C, p.Ala1384Pro (NM_001354896.2, NM_001407447.1, NM_001407448.1 and 1 more transcripts); c.4126G>C, p.Ala1376Pro (NM_001354897.2); c.4021G>C, p.Ala1341Pro (NM_001354898.2); c.4012G>C, p.Ala1338Pro (NM_001354899.2); c.3973G>C, p.Ala1325Pro (NM_001354900.2); c.3919G>C, p.Ala1307Pro (NM_001354901.2, NM_001407453.1); and 11 more; short protein forms A1206P, A1265P, A1366P, A1394P, A1275P, A1307P, A1338P, A1341P.
Identifiers: ClinVar variation 2008528 (VCV002008528.4), dbSNP rs1580643969, ClinGen allele CA16030302.
Genomic context (GRCh38, chr5:112,839,690, plus strand): 5'-TCAGCCAGGCACAAAGCTGTTGAATTTTCTTCAGGAGCGAAATCTCCCTCCAAAAGTGGT[G>C]CTCAGACACCCAAAAGTCCACCTGAACACTATGTTCAGGAGACCCCACTCATGTTTAGCA-3'
Protein context (NP_000029.2, residues 1356-1376): SGAKSPSKSG[Ala1366Pro]QTPKSPPEHY